The following is an entry in ClinVar:

ClinVar aggregate classification (germline): Uncertain significance (1 of 4 stars; one submission).

Conditions:
MHC class II deficiency. Also called: Bare lymphocyte syndrome 2; BLS, TYPE II. Identifiers: Orphanet 572, MedGen C5447452, MONDO:0008855.

Submission:

Labcorp Genetics (formerly Invitae), Labcorp
Classification: Uncertain significance for MHC class II deficiency. Last evaluated: 2024-08-31. Review status: criteria provided, single submitter. Criteria: Invitae Variant Classification Sherloc (09022015). Collection method: clinical testing. Allele origin: germline.
Comment: This sequence change replaces leucine, which is neutral and non-polar, with valine, which is neutral and non-polar, at codon 114 of the CIITA protein (p.Leu114Val). This variant is not present in population databases (gnomAD no frequency). This variant has not been reported in the literature in individuals affected with CIITA-related conditions. An algorithm developed to predict the effect of missense changes on protein structure and function (PolyPhen-2) suggests that this variant is likely to be tolerated. In summary, the available evidence is currently insufficient to determine the role of this variant in disease. Therefore, it has been classified as a Variant of Uncertain Significance.

NM_000246.4(CIITA):c.340C>G (p.Leu114Val)

Gene: CIITA (class II major histocompatibility complex transactivator; plus strand). Cytogenetic location: 16p13.13.
Variant type: single nucleotide variant.
Coding change: c.340C>G on transcript NM_000246.4 (MANE Select); coding-DNA position 340, C replaced by G.
Protein change: p.Leu114Val; replaces leucine 114 with valine.
Molecular consequence: missense variant. On other transcripts: non-coding transcript variant (1).
Genome position (GRCh38, 1-based): chr16:10,898,714, C>G. VCF-style: chr16-10898714-C-G. GRCh37 (hg19) VCF-style: chr16-10992571-C-G.
Other names: c.340C>G, p.Leu114Val (NM_001286402.1, NM_001286403.2, NM_001379330.1 and 3 more transcripts); c.268C>G, p.Leu90Val (NM_001379334.1); short protein forms L114V, L90V.
Identifiers: ClinVar variation 3662458 (VCV003662458.2).